The following is an entry in ClinVar:

ClinVar aggregate classification (germline): Uncertain significance (1 of 4 stars; one submission).

Allele frequency attached by ClinVar (database versions not stated): ESP Exome Variant Server 0.00008; TOPMed 0.00011; ExAC 0.00015; gnomAD 0.00015.
gnomAD v4.1: 265 of 1,589,048 alleles (0.017%); highest among the groups gnomAD compares: Non-Finnish European, 0.02%; no homozygotes.

Submission:

Labcorp Genetics (formerly Invitae), Labcorp
Classification: Uncertain significance. Last evaluated: 2023-12-11. Review status: criteria provided, single submitter. Criteria: Invitae Variant Classification Sherloc (09022015). Collection method: clinical testing. Allele origin: germline.
Comment: This sequence change replaces proline, which is neutral and non-polar, with threonine, which is neutral and polar, at codon 1339 of the EXPH5 protein (p.Pro1339Thr). This variant is present in population databases (rs200608516, gnomAD 0.03%). This variant has not been reported in the literature in individuals affected with EXPH5-related conditions. ClinVar contains an entry for this variant (Variation ID: 2139051). An algorithm developed to predict the effect of missense changes on protein structure and function (PolyPhen-2) suggests that this variant¬†is likely to be tolerated. In summary, the available evidence is currently insufficient to determine the role of this variant in disease. Therefore, it has been classified as a Variant of Uncertain Significance.

NM_015065.3(EXPH5):c.4015C>A (p.Pro1339Thr)

Gene: EXPH5 (exophilin 5; minus strand). Cytogenetic location: 11q22.3.
Variant type: single nucleotide variant.
Coding change: c.4015C>A on transcript NM_015065.3 (MANE Select); coding-DNA position 4015, C replaced by A.
Protein change: p.Pro1339Thr; replaces proline 1339 with threonine.
Molecular consequence: missense variant.
Genome position (GRCh38, 1-based): chr11:108,511,492, G>T on the plus strand (C>A on the coding strand, the complement: EXPH5 is on the minus strand). VCF-style: chr11-108511492-G-T. GRCh37 (hg19) VCF-style: chr11-108382219-G-T.
Other names: c.3787C>A, p.Pro1263Thr (NM_001144763.2); c.3547C>A, p.Pro1183Thr (NM_001144764.2); c.3451C>A, p.Pro1151Thr (NM_001144765.2); c.3994C>A, p.Pro1332Thr (NM_001308019.2); short protein forms P1151T, P1332T, P1339T, P1183T, P1263T.
Identifiers: ClinVar variation 2139051 (VCV002139051.2), dbSNP rs200608516, ClinGen allele CA6267585.
Genomic context (GRCh38, chr11:108,511,492, plus strand): 5'-CTTCAGGAAGAGAAACAGCTGCCTCAACAGAAGCCATTTCCTGTAATGTAGGAGCTAGGG[G>T]CCCCCTATTTGATAATCGGAAGGCAGTCATATTTTCAGTGGTGAGCGTCTGATCAGAGTT-3'
Protein context (NP_055880.2, residues 1329-1349): MTAFRLSNRG[Pro1339Thr]LAPTLQEMAS